The following is an entry in ClinVar:

ClinVar aggregate classification (germline): Pathogenic (1 of 4 stars; one submission).

Conditions:
Developmental and epileptic encephalopathy, 9 (DEE9). Also called: EPILEPSY, FEMALE-RESTRICTED, WITH MENTAL RETARDATION; Early infantile epileptic encephalopathy 9; JUBERG-HELLMAN SYNDROME; PCDH19-Related X-Linked Female-Limited Epilepsy with Mental Retardation. Identifiers: Orphanet 101039, Orphanet 2076, MedGen C1848137, MONDO:0010246, OMIM 300088. Disease mechanism: loss of function.

Submission:

Labcorp Genetics (formerly Invitae), Labcorp
Classification: Pathogenic for Developmental and epileptic encephalopathy, 9. Last evaluated: 2022-01-01. Review status: criteria provided, single submitter. Criteria: Invitae Variant Classification Sherloc (09022015). Collection method: clinical testing. Allele origin: germline.
Comment: This sequence change creates a premature translational stop signal (p.Ser251*) in the PCDH19 gene. It is expected to result in an absent or disrupted protein product. Loss-of-function variants in PCDH19 are known to be pathogenic (PMID: 21053371). This variant is not present in population databases (gnomAD no frequency). This premature translational stop signal has been observed in individual(s) with clinical features of PCDH19-related conditions (PMID: 32366910). For these reasons, this variant has been classified as Pathogenic.

Literature cited by the submitters: PubMed 21053371; PubMed 32366910.

NM_001184880.2(PCDH19):c.752C>A (p.Ser251Ter)

Gene: PCDH19 (protocadherin 19; minus strand). Cytogenetic location: Xq22.1.
Variant type: single nucleotide variant.
Coding change: c.752C>A on transcript NM_001184880.2 (MANE Select); coding-DNA position 752, C replaced by A.
Protein change: p.Ser251Ter; replaces serine 251 with a stop codon.
Molecular consequence: nonsense.
Genome position (GRCh38, 1-based): chrX:100,407,846, G>T on the plus strand (C>A on the coding strand, the complement: PCDH19 is on the minus strand). VCF-style: chrX-100407846-G-T. GRCh37 (hg19) VCF-style: chrX-99662844-G-T.
Other names: c.752C>A, p.Ser251Ter (NM_001105243.2, NM_020766.3); short protein forms S251*.
Identifiers: ClinVar variation 2069552 (VCV002069552.4), dbSNP rs1444535055, ClinGen allele CA414008315.